The following is an entry in ClinVar:

NM_012216.4(MID2):c.818T>C (p.Val273Ala)

Genes: MID2 (midline 2; plus strand), LOC101928335 (uncharacterized LOC101928335; minus strand). Cytogenetic location: Xq22.3.
Variant type: single nucleotide variant.
Coding change: c.818T>C on transcript NM_012216.4 (MANE Select); coding-DNA position 818, T replaced by C.
Protein change: p.Val273Ala; replaces valine 273 with alanine.
Molecular consequence: missense variant.
Genome position (GRCh38, 1-based): chrX:107,903,959, T>C. VCF-style: chrX-107903959-T-C. GRCh37 (hg19) VCF-style: chrX-107147189-T-C.
Other names: c.758T>C, p.Val253Ala (NM_001382751.1, NM_001382752.1); c.818T>C, p.Val273Ala (NM_052817.3); short protein forms V253A, V273A.
Identifiers: ClinVar variation 4890865 (VCV004890865.1).

ClinVar aggregate classification (germline): Uncertain significance (1 of 4 stars; one submission).

Conditions:
Developmental delay. Also called: Delayed development. Identifiers: MedGen C0424605.

Submission:

Clinical Genetics Laboratory, Skane University Hospital Lund
Classification: Uncertain significance for Developmental delay. Last evaluated: 2026-06-23. Review status: criteria provided, single submitter. Criteria: ACMG Guidelines, 2015. Collection method: clinical testing. Allele origin: germline. Inheritance: X-linked inheritance. Affected: yes.
Comment: ACMG criteria applied: PM2, BP4.